The following is an entry in ClinVar:

ClinVar aggregate classification (germline): Uncertain significance (1 of 4 stars; one submission).

Conditions:
Hereditary cancer-predisposing syndrome. Also called: Neoplastic Syndromes, Hereditary; Tumor predisposition; Hereditary neoplastic syndrome; Hereditary Cancer Syndrome. Identifiers: Orphanet 140162, MedGen C0027672, MeSH D009386, MONDO:0015356.

Submission:

Ambry Genetics
Classification: Uncertain significance for Hereditary cancer-predisposing syndrome. Last evaluated: 2026-06-26. Review status: criteria provided, single submitter. Criteria: Ambry Variant Classification Scheme 2023. Collection method: clinical testing. Allele origin: germline.
Comment: The p.Q1226L variant (also known as c.3677A>T), located in coding exon 25 of the SMARCA4 gene, results from an A to T substitution at nucleotide position 3677. The glutamine at codon 1226 is replaced by leucine, an amino acid with dissimilar properties. This amino acid position is conserved. In addition, this alteration is predicted to be deleterious by in silico analysis. Based on the available evidence, the clinical significance of this variant remains unclear.

NM_003072.5(SMARCA4):c.3677A>T (p.Gln1226Leu)

Gene: SMARCA4 (SWI/SNF related BAF chromatin remodeling complex subunit ATPase 4; plus strand). Cytogenetic location: 19p13.2.
Variant type: single nucleotide variant.
Coding change: c.3677A>T on transcript NM_003072.5 (MANE Select); coding-DNA position 3677, A replaced by T.
Protein change: p.Gln1226Leu; replaces glutamine 1226 with leucine.
Molecular consequence: missense variant. On other transcripts: non-coding transcript variant (1).
Genome position (GRCh38, 1-based): chr19:11,033,420, A>T. VCF-style: chr19-11033420-A-T. GRCh37 (hg19) VCF-style: chr19-11144096-A-T.
Other names: c.3677A>T, p.Gln1226Leu (NM_001128844.3, NM_001128845.2, NM_001128846.2 and 6 more transcripts); short protein forms Q1226L.
Identifiers: ClinVar variation 5029821 (VCV005029821.1).